The following is an entry in ClinVar:

ClinVar aggregate classification (germline): Uncertain significance. Review status: criteria provided, multiple submitters, no conflicts (2 of 4 stars). 8 submissions from 8 submitters: Uncertain significance (6). 2 of the submissions do not count toward it. Last evaluated 2025-09-10.

Conditions:
BBS1-related disorder. Also called: BBS1-related condition.
Bardet-Biedl syndrome (BBS). Identifiers: Orphanet 110, MedGen C0752166, MONDO:0015229.
Bardet-Biedl syndrome 1 (BBS1). Identifiers: MedGen C2936862, MONDO:0008854, OMIM 209900. Disease mechanism: loss of function.
Inborn genetic diseases. Identifiers: MedGen C0950123, MeSH D030342.

Allele frequency attached by ClinVar (database versions not stated): gnomAD exomes 0.00001 and 0.00002; gnomAD 0.00005; TOPMed 0.00006.
gnomAD v4.1: 45 of 1,614,108 alleles (0.0028%); highest among the groups gnomAD compares: Middle Eastern, 0.049%; no homozygotes.

Submissions (8):

Ambry Genetics
Classification: Uncertain significance for Inborn genetic diseases. Last evaluated: 2025-09-10. Review status: criteria provided, single submitter. Criteria: Ambry Variant Classification Scheme 2023. Collection method: clinical testing. Allele origin: germline.

Daryl Scott Lab, Baylor College of Medicine
Classification: Uncertain significance for Bardet-Biedl syndrome 1. Last evaluated: 2024-01-01. Review status: criteria provided, single submitter. Criteria: ACMG Guidelines, 2015. Collection method: clinical testing. Allele origin: maternal. Observed: 1 heterozygote.
Comment: PP3

Blueprint Genetics
Classification: Uncertain significance. Last evaluated: 2023-06-15. Review status: criteria provided, single submitter. Criteria: ACMG Guidelines, 2015. Collection method: clinical testing. Allele origin: germline.

Labcorp Genetics (formerly Invitae), Labcorp
Classification: Uncertain significance for Bardet-Biedl syndrome. Last evaluated: 2022-10-13. Review status: criteria provided, single submitter. Criteria: Invitae Variant Classification Sherloc (09022015). Collection method: clinical testing. Allele origin: germline.
Comment: This sequence change replaces leucine, which is neutral and non-polar, with valine, which is neutral and non-polar, at codon 251 of the BBS1 protein (p.Leu251Val). This variant is present in population databases (no rsID available, gnomAD 0.003%). This variant has not been reported in the literature in individuals affected with BBS1-related conditions. ClinVar contains an entry for this variant (Variation ID: 966229). Advanced modeling of protein sequence and biophysical properties (such as structural, functional, and spatial information, amino acid conservation, physicochemical variation, residue mobility, and thermodynamic stability) performed at Invitae indicates that this missense variant is not expected to disrupt BBS1 protein function. In summary, the available evidence is currently insufficient to determine the role of this variant in disease. Therefore, it has been classified as a Variant of Uncertain Significance.

Fulgent Genetics
Classification: Uncertain significance for Bardet-Biedl syndrome 1. Last evaluated: 2021-12-03. Review status: criteria provided, single submitter. Criteria: ACMG Guidelines, 2015. Collection method: clinical testing. Allele origin: unknown.

Baylor Genetics
Classification: Uncertain significance for Bardet-Biedl syndrome 1. Last evaluated: 2019-07-30. Review status: criteria provided, single submitter. Criteria: ACMG Guidelines, 2015. Collection method: clinical testing. Allele origin: unknown. Affected: yes.
Comment: This variant was determined to be of uncertain significance according to ACMG Guidelines, 2015 [PMID:25741868].

PreventionGenetics, part of Exact Sciences
Classification: Uncertain significance for BBS1-related condition. Last evaluated: 2024-08-30. Review status: no assertion criteria provided. Collection method: clinical testing. Allele origin: germline. Not counted in ClinVar's aggregate classification.
Comment: The BBS1 c.751C>G variant is predicted to result in the amino acid substitution p.Leu251Val. To our knowledge, this variant has not been reported in the literature. This variant is reported in 0.0028% of alleles in individuals of Latino descent in gnomAD. At this time, the clinical significance of this variant is uncertain due to the absence of conclusive functional and genetic evidence.

Natera, Inc.
Classification: Uncertain significance for Bardet-Biedl syndrome type 1. Last evaluated: 2020-03-26. Review status: no assertion criteria provided. Collection method: clinical testing. Allele origin: germline. Not counted in ClinVar's aggregate classification.

NM_024649.5(BBS1):c.751C>G (p.Leu251Val)

Genes: BBS1 (Bardet-Biedl syndrome 1; plus strand), ZDHHC24 (zDHHC palmitoyltransferase 24; minus strand). Cytogenetic location: 11q13.2.
Variant type: single nucleotide variant.
Coding change: c.751C>G on transcript NM_024649.5 (MANE Select); coding-DNA position 751, C replaced by G.
Protein change: p.Leu251Val; replaces leucine 251 with valine.
Molecular consequence: missense variant. On other transcripts: 3 prime UTR variant (1).
Genome position (GRCh38, 1-based): chr11:66,521,297, C>G. VCF-style: chr11-66521297-C-G. GRCh37 (hg19) VCF-style: chr11-66288768-C-G.
Other names: c.*191G>C (NM_001348571.2); short protein forms L251V.
Identifiers: ClinVar variation 966229 (VCV000966229.22), dbSNP rs951217740, ClinGen allele CA224076168.
Genomic context (GRCh38, chr11:66,521,297, plus strand): 5'-AGAAATTGGAGTGTTTGCGCTTCTTGTTTGCAGATGAGCCTTCCCAGCGTCCCCGTCTTC[C>G]TAGAGGTTTCTGGCCAGTTTGATGTTGAGTTCCGGCTTGCCGCGGCCTGCCGCAATGGAA-3'
Protein context (NP_078925.3, residues 241-261): KMSLPSVPVF[Leu251Val]EVSGQFDVEF